The following is an entry in ClinVar:

ClinVar aggregate classification (germline): Uncertain significance. Review status: criteria provided, multiple submitters, no conflicts (2 of 4 stars). 2 submissions from 2 submitters: Uncertain significance (2). Last evaluated 2025-08-06.

Conditions:
Desbuquois dysplasia 1 (DBQD1). Also called: MICROMELIC DWARFISM WITH VERTEBRAL AND METAPHYSEAL ABNORMALITIES AND ADVANCED CARPOTARSAL OSSIFICATION; DESBUQUOIS DYSPLASIA 1, KIM VARIANT. Identifiers: Orphanet 1425, MedGen C4012146, MONDO:0009629, OMIM 251450.
Inborn genetic diseases. Identifiers: MedGen C0950123, MeSH D030342.

Allele frequency attached by ClinVar (database versions not stated): gnomAD exomes 0.00007; ExAC 0.00011; 1000 Genomes Project 30x 0.00016; 1000 Genomes Project 0.00020; gnomAD 0.00020; TOPMed 0.00020; ESP Exome Variant Server 0.00023.
gnomAD v4.1: 131 of 1,614,170 alleles (0.0081%); highest among the groups gnomAD compares: African/African-American, 0.043%; no homozygotes.

Submissions (2):

Ambry Genetics
Classification: Uncertain significance for Inborn genetic diseases. Last evaluated: 2025-08-06. Review status: criteria provided, single submitter. Criteria: Ambry Variant Classification Scheme 2023. Collection method: clinical testing. Allele origin: germline.

Labcorp Genetics (formerly Invitae), Labcorp
Classification: Uncertain significance for Desbuquois dysplasia 1. Last evaluated: 2022-11-01. Review status: criteria provided, single submitter. Criteria: Invitae Variant Classification Sherloc (09022015). Collection method: clinical testing. Allele origin: germline.
Comment: This sequence change replaces glycine, which is neutral and non-polar, with arginine, which is basic and polar, at codon 618 of the XYLT1 protein (p.Gly618Arg). This variant is present in population databases (rs376993485, gnomAD 0.07%). This variant has not been reported in the literature in individuals affected with XYLT1-related conditions. Advanced modeling of protein sequence and biophysical properties (such as structural, functional, and spatial information, amino acid conservation, physicochemical variation, residue mobility, and thermodynamic stability) performed at Invitae indicates that this missense variant is expected to disrupt XYLT1 protein function. In summary, the available evidence is currently insufficient to determine the role of this variant in disease. Therefore, it has been classified as a Variant of Uncertain Significance.

NM_022166.4(XYLT1):c.1852G>A (p.Gly618Arg)

Genes: XYLT1 (xylosyltransferase 1; minus strand), LOC102723692 (uncharacterized LOC102723692; plus strand). Cytogenetic location: 16p12.3.
Variant type: single nucleotide variant.
Coding change: c.1852G>A on transcript NM_022166.4 (MANE Select); coding-DNA position 1852, G replaced by A.
Protein change: p.Gly618Arg; replaces glycine 618 with arginine.
Molecular consequence: missense variant.
Genome position (GRCh38, 1-based): chr16:17,134,648, C>T on the plus strand (G>A on the coding strand, the complement: XYLT1 is on the minus strand). VCF-style: chr16-17134648-C-T. GRCh37 (hg19) VCF-style: chr16-17228505-C-T.
Other names: c.1852G>A (NM_022166.3); short protein forms G618R.
Identifiers: ClinVar variation 2061485 (VCV002061485.3), dbSNP rs376993485, ClinGen allele CA7927748.
Genomic context (GRCh38, chr16:17,134,648, plus strand): 5'-GCTCATCGTAGACATTCTCCCAGTAGGAGCGCAGGCCCGGGGTACCTGCAGGGTAGTTCC[C>T]GTACAGGTAATAGTCCAGCTGCCCAATGATTTCCTGATTCACCACGGCTTCAAACTTGCG-3'
Protein context (NP_071449.1, residues 608-628): IIGQLDYYLY[Gly618Arg]NYPAGTPGLR